The following is an entry in ClinVar:

ClinVar aggregate classification (germline): Pathogenic/Likely pathogenic. Review status: criteria provided, multiple submitters, no conflicts (2 of 4 stars). 4 submissions from 4 submitters: Pathogenic (1); Likely pathogenic (1). 2 of the submissions do not count toward it. Last evaluated 2026-02-01.

Conditions:
Hereditary spastic paraplegia 48. Also called: Spastic paraplegia 48; SPASTIC PARAPLEGIA 48, AUTOSOMAL RECESSIVE. Identifiers: Orphanet 306511, MedGen C3150901, MONDO:0013342, OMIM 613647.

Allele frequency attached by ClinVar (database versions not stated): gnomAD 0.00002.

Submissions (4):

CeGaT Center for Human Genetics Tuebingen
Classification: Pathogenic. Last evaluated: 2026-02-01. Review status: criteria provided, single submitter. Criteria: CeGaT Center For Human Genetics Tuebingen Variant Classification Criteria Version 2. Collection method: clinical testing. Allele origin: germline. Affected: yes. Observed: 1 variant allele.
Comment: AP5Z1: PVS1, PM2, PM3

Women's Health and Genetics/Laboratory Corporation of America, LabCorp
Classification: Likely pathogenic for Hereditary spastic paraplegia 48. Last evaluated: 2023-10-26. Review status: criteria provided, single submitter. Criteria: LabCorp Variant Classification Summary - May 2015. Collection method: clinical testing. Allele origin: germline.
Comment: Variant summary: KIAA0415 c.1312-2A>G is located in a canonical splice-site and is predicted to affect mRNA splicing resulting in a significantly altered protein due to either exon skipping, shortening, or inclusion of intronic material. Several computational tools predict a significant impact on normal splicing: Four predict the variant abolishes a 3' acceptor site. However, these predictions have yet to be confirmed by functional studies. The variant was absent in 31344 control chromosomes. c.1312-2A>G has been reported in the literature in at least one individual affected with spastic ataxia without evidence of familial co-segregation (e.g. vandeWarrenburg_2016). To our knowledge, no experimental evidence demonstrating an impact on protein function has been reported. The following publication has been ascertained in the context of this evaluation: (PMID: 27165006). No submitters have cited clinical-significance assessments for this variant to ClinVar after 2014. Based on the evidence outlined above, the variant was classified as likely pathogenic.

Diagnostic Laboratory, Department of Genetics, University Medical Center Groningen
Classification: Uncertain significance. Review status: no assertion criteria provided. Collection method: clinical testing. Allele origin: germline. Affected: yes. Study: VKGL Data-share Consensus. Not counted in ClinVar's aggregate classification.

Joint Genome Diagnostic Labs from Nijmegen and Maastricht, Radboudumc and MUMC+
Classification: Uncertain significance. Review status: no assertion criteria provided. Collection method: clinical testing. Allele origin: germline. Affected: yes. Study: VKGL Data-share Consensus. Not counted in ClinVar's aggregate classification.

Literature cited by the submitters: PubMed 27165006 (cited by Women's Health and Genetics/Laboratory Corporation of America, LabCorp).

NM_014855.3(AP5Z1):c.1312-2A>G

Gene: AP5Z1 (adaptor related protein complex 5 subunit zeta 1; plus strand). Cytogenetic location: 7p22.1.
Variant type: single nucleotide variant.
Coding change: c.1312-2A>G on transcript NM_014855.3 (MANE Select); the canonical splice acceptor site of the intron before coding-DNA position 1312, A replaced by G.
Molecular consequence: splice acceptor variant. On other transcripts: non-coding transcript variant (1).
Genome position (GRCh38, 1-based): chr7:4,787,632, A>G. VCF-style: chr7-4787632-A-G. GRCh37 (hg19) VCF-style: chr7-4827263-A-G.
Other names: c.844-2A>G (NM_001364858.1).
Identifiers: ClinVar variation 1175065 (VCV001175065.11), dbSNP rs989538601, ClinGen allele CA153029024.